The following is an entry in ClinVar:

NM_198271.5(LMOD3):c.1670A>C (p.Lys557Thr)

Gene: LMOD3 (leiomodin 3; minus strand). Cytogenetic location: 3p14.1.
Variant type: single nucleotide variant.
Coding change: c.1670A>C on transcript NM_198271.5 (MANE Select); coding-DNA position 1670, A replaced by C.
Protein change: p.Lys557Thr; replaces lysine 557 with threonine.
Molecular consequence: missense variant.
Genome position (GRCh38, 1-based): chr3:69,109,108, T>G on the plus strand (A>C on the coding strand, the complement: LMOD3 is on the minus strand). VCF-style: chr3-69109108-T-G. GRCh37 (hg19) VCF-style: chr3-69158259-T-G.
Other names: c.1670A>C, p.Lys557Thr (NM_001304418.3); c.1670A>C (NM_198271.3); short protein forms K557T.
Identifiers: ClinVar variation 1023469 (VCV001023469.6), dbSNP rs2092336619, ClinGen allele CA353467635.

ClinVar aggregate classification (germline): Uncertain significance. Review status: criteria provided, multiple submitters, no conflicts (2 of 4 stars). 2 submissions from 2 submitters: Uncertain significance (2). Last evaluated 2025-11-26.

Conditions:
Inborn genetic diseases. Identifiers: MedGen C0950123, MeSH D030342.
Nemaline myopathy 10 (NEM10). Identifiers: MedGen C4015360, MONDO:0014513, OMIM 616165.

Submissions (2):

Ambry Genetics
Classification: Uncertain significance for Inborn genetic diseases. Last evaluated: 2025-11-26. Review status: criteria provided, single submitter. Criteria: Ambry Variant Classification Scheme 2023. Collection method: clinical testing. Allele origin: germline.

Labcorp Genetics (formerly Invitae), Labcorp
Classification: Uncertain significance for Nemaline myopathy 10. Last evaluated: 2020-04-13. Review status: criteria provided, single submitter. Criteria: Invitae Variant Classification Sherloc (09022015). Collection method: clinical testing. Allele origin: germline.
Comment: In summary, the available evidence is currently insufficient to determine the role of this variant in disease. Therefore, it has been classified as a Variant of Uncertain Significance. Algorithms developed to predict the effect of missense changes on protein structure and function are either unavailable or do not agree on the potential impact of this missense change (SIFT: "Tolerated"; PolyPhen-2: "Possibly Damaging"; Align-GVGD: "Class C0"). This variant has not been reported in the literature in individuals with LMOD3-related conditions. This variant is not present in population databases (ExAC no frequency). This sequence change replaces lysine with threonine at codon 557 of the LMOD3 protein (p.Lys557Thr). The lysine residue is weakly conserved and there is a moderate physicochemical difference between lysine and threonine.